The following is an entry in ClinVar:

NM_001367721.1(CASK):c.2039+15G>A

Gene: CASK (calcium/calmodulin dependent serine protein kinase; minus strand). Cytogenetic location: Xp11.4.
Variant type: single nucleotide variant.
Coding change: c.2039+15G>A on transcript NM_001367721.1 (MANE Select); 15 bases into the intron after coding-DNA position 2039, G replaced by A.
Molecular consequence: intron variant.
Genome position (GRCh38, 1-based): chrX:41,553,704, C>T on the plus strand (G>A on the coding strand, the complement: CASK is on the minus strand). VCF-style: chrX-41553704-C-T. GRCh37 (hg19) VCF-style: chrX-41412957-C-T.
Other names: c.1952+15G>A (NM_001126055.3); c.2021+15G>A (NM_001410745.1); c.1970+15G>A (NM_001126054.3); c.2039+15G>A (NM_003688.4).
Identifiers: ClinVar variation 382231 (VCV000382231.11), dbSNP rs41307351, ClinGen allele CA10390091.
Genomic context (GRCh38, chrX:41,553,704, plus strand): 5'-ATATAAAATTGGAAAATGGATGGTCAGGGCTTTGTTTTTATAACCAAGCAAAGCAAAACA[C>T]GCATAAAAACATACCATTCCTGAAGTTCAGGAGAAGGAATGAGACCTGCAGTTCCATTTT-3'

ClinVar aggregate classification (germline): Benign/Likely benign. Review status: criteria provided, multiple submitters, no conflicts (2 of 4 stars). 4 submissions from 4 submitters: Benign (3); Likely benign (1). Last evaluated 2026-01-28.

Conditions:
Intellectual disability, CASK-related, X-linked. Identifiers: MedGen CN043158.

Allele frequency attached by ClinVar (database versions not stated): gnomAD exomes 0.00056 and 0.00164; ExAC 0.00439; 1000 Genomes Project 30x 0.00499; 1000 Genomes Project 0.00503; gnomAD 0.00565 and 0.00602; TOPMed 0.00643; ESP Exome Variant Server 0.00786.
gnomAD v4.1: 1,275 of 1,153,067 alleles (0.11%); highest among the groups gnomAD compares: African/African-American, 2%; 11 homozygotes.

Submissions (4):

Labcorp Genetics (formerly Invitae), Labcorp
Classification: Benign for Intellectual disability, CASK-related, X-linked. Last evaluated: 2026-01-28. Review status: criteria provided, single submitter. Criteria: Invitae Variant Classification Sherloc (09022015). Collection method: clinical testing. Allele origin: germline.

Blueprint Genetics
Classification: Likely benign. Last evaluated: 2024-10-18. Review status: criteria provided, single submitter. Criteria: ACMG Guidelines, 2015. Collection method: clinical testing. Allele origin: germline.

GeneDx
Classification: Benign. Last evaluated: 2016-03-22. Review status: criteria provided, single submitter. Criteria: GeneDx Variant Classification (06012015). Collection method: clinical testing. Allele origin: germline. Affected: yes.
Comment: This variant is considered likely benign or benign based on one or more of the following criteria: it is a conservative change, it occurs at a poorly conserved position in the protein, it is predicted to be benign by multiple in silico algorithms, and/or has population frequency not consistent with disease.

Breakthrough Genomics
Classification: Benign. Review status: criteria provided, single submitter. Criteria: ACMG Guidelines, 2015. Collection method: not provided. Allele origin: germline. Inheritance: X-linked inheritance. Affected: yes.